The following is an entry in ClinVar:

ClinVar aggregate classification (germline): Uncertain significance (1 of 4 stars; one submission).

Submission:

Ambry Genetics
Classification: Uncertain significance. Last evaluated: 2023-05-14. Review status: criteria provided, single submitter. Criteria: Ambry Variant Classification Scheme 2023. Collection method: clinical testing. Allele origin: germline.
Comment: The p.S803L variant (also known as c.2408C>T), located in coding exon 21 of the PRKDC gene, results from a C to T substitution at nucleotide position 2408. The serine at codon 803 is replaced by leucine, an amino acid with dissimilar properties. This amino acid position is conserved. In addition, this alteration is predicted to be tolerated by in silico analysis. Since supporting evidence is limited at this time, the clinical significance of this alteration remains unclear.

NM_006904.7(PRKDC):c.2408C>T (p.Ser803Leu)

Gene: PRKDC (protein kinase, DNA-activated, catalytic subunit; minus strand). Cytogenetic location: 8q11.21.
Variant type: single nucleotide variant.
Coding change: c.2408C>T on transcript NM_006904.7 (MANE Select); coding-DNA position 2408, C replaced by T.
Protein change: p.Ser803Leu; replaces serine 803 with leucine.
Molecular consequence: missense variant.
Genome position (GRCh38, 1-based): chr8:47,927,205, G>A on the plus strand (C>T on the coding strand, the complement: PRKDC is on the minus strand). VCF-style: chr8-47927205-G-A. GRCh37 (hg19) VCF-style: chr8-48839765-G-A.
Other names: c.2408C>T, p.Ser803Leu (NM_001081640.2); short protein forms S803L.
Identifiers: ClinVar variation 2564551 (VCV002564551.2), dbSNP rs2551878115, ClinGen allele CA371161654.
Genomic context (GRCh38, chr8:47,927,205, plus strand): 5'-CCATTTCCATTTTAATTACAATACACATCACAATTCTTCTAAACATTACCTGACAAGGCT[G>A]AAGTCTTCAGGTATCCATCCAGGCAGGGGAGAATGTCTTTGTAATAAGGCTGCATTACAT-3'
Protein context (NP_008835.5, residues 793-813): LPCLDGYLKT[Ser803Leu]ALSDETKNNW